The following is an entry in ClinVar:

NM_017547.4(FOXRED1):c.1233_1234delinsGA (p.Tyr411_Asp412delinsTer)

Gene: FOXRED1 (FAD dependent oxidoreductase domain containing 1; plus strand). Cytogenetic location: 11q24.2.
Variant type: Indel.
Coding change: c.1233_1234delinsGA on transcript NM_017547.4 (MANE Select); coding-DNA positions 1233 to 1234, CG replaced by GA.
Protein change: p.Tyr411_Asp412delinsTer.
Molecular consequence: nonsense. On other transcripts: non-coding transcript variant (3).
Genome position (GRCh38, 1-based): chr11:126,277,461-126,277,462, CG replaced by GA. VCF-style: chr11-126277461-CG-GA. GRCh37 (hg19) VCF-style: chr11-126147356-CG-GA.
Other names: c.1263_1264delinsGA, p.Tyr421_Asp422delinsTer (NM_001425160.1); c.1233_1234delinsGA, p.Tyr411_Asp412delinsTer (NM_001425161.1); c.1230_1231delinsGA, p.Tyr410_Asp411delinsTer (NM_001425163.1, NM_001425164.1); c.1227_1228delinsGA, p.Tyr409_Asp410delinsTer (NM_001425165.1); c.1185_1186delinsGA, p.Tyr395_Asp396delinsTer (NM_001425166.1); c.1131_1132delinsGA, p.Tyr377_Asp378delinsTer (NM_001425167.1); c.723_724delinsGA, p.Tyr241_Asp242delinsTer (NM_001425168.1, NM_001425169.1, NM_001425170.1); c.672_673delinsGA, p.Tyr224_Asp225delinsTer (NM_001425171.1, NM_001425172.1); and 2 more.
Identifiers: ClinVar variation 3902282 (VCV003902282.1).
Genomic context (GRCh38, chr11:126,277,461, plus strand): 5'-TTCCCGAGAACCCCAGTGTTTTGTGCACCCGCAGGTTCAGAGCGCCTGGGCCGGCTATTA[CG>GA]ACTACAACACCTTTGACCAGAATGGCGTGGTGGGCCCCCACCCGCTAGTTGTCAACATGT-3'

ClinVar aggregate classification (germline): Pathogenic (1 of 4 stars; one submission).

Conditions:
Mitochondrial complex I deficiency, nuclear type 19. Also called: Mitochondrial complex 1 deficiency, nuclear type 19. Identifiers: MedGen C4748791, MONDO:0032624, OMIM 618241.

Submission:

Women's Health and Genetics/Laboratory Corporation of America, LabCorp
Classification: Pathogenic for Mitochondrial complex I deficiency, nuclear type 19. Last evaluated: 2025-05-12. Review status: criteria provided, single submitter. Criteria: LabCorp Variant Classification Summary - May 2015. Collection method: clinical testing. Allele origin: germline.
Comment: Variant summary: FOXRED1 c.1233_1234delinsGA (p.Tyr411X) is located in the last exon and results in a premature termination codon that is not expected to cause nonsense mediated decay (NMD), but is predicted to cause a truncation, removing a large part of the 486 amino acids long protein. The variant was absent in 1606314 control chromosomes (gnomAD v4.1). To our knowledge, no occurrence of c.1233_1234delinsGA in individuals affected with Mitochondrial Complex 1 Deficiency, Nuclear Type 19 and no experimental evidence demonstrating its impact on protein function have been reported. However, at least one missense variant downstream (Val421Met) from this position has been classified as likely pathogenic by our lab, indication the clinical importance of the deleted region. No submitters have cited clinical-significance assessments for this variant to ClinVar. Based on the evidence outlined above, the variant was classified as pathogenic.